The following is an entry in ClinVar:

NM_000051.4(ATM):c.5657del (p.Pro1886fs)

Gene: ATM (ATM serine/threonine kinase; plus strand). Cytogenetic location: 11q22.3.
Variant type: Deletion.
Coding change: c.5657del on transcript NM_000051.4 (MANE Select); coding-DNA position 5657, one base deleted (C; older notation c.5657delC).
Protein change: p.Pro1886fs; shifts the reading frame from proline 1886.
Molecular consequence: frameshift variant.
Genome position (GRCh38, 1-based): chr11:108,304,835, C deleted; the last of 4 consecutive C bases (chr11:108,304,832-108,304,835); deleting any one gives the same sequence. VCF-style (leftmost placement, unchanged base first): chr11-108304831-AC-A. GRCh37 (hg19) VCF-style: chr11-108175558-AC-A.
Other names: c.5657del, p.Pro1886fs (NM_001351834.2); short protein forms P1886fs.
Identifiers: ClinVar variation 1072669 (VCV001072669.8), dbSNP rs2135946188, ClinGen allele CA2499220659.
Genomic context (GRCh38, chr11:108,304,831, plus strand): 5'-CATGTTCAGGGATTTTTCACCAGCTGTCTTCGACACTTCTCGCAAACGAGCCGATCCACA[AC>A]CCCTGCAAACTTGGATTCAGGTATTCTATTAAATTTTTAACATTAATACTGTAAACTCAG-3'

ClinVar aggregate classification (germline): Pathogenic. Review status: criteria provided, multiple submitters, no conflicts (2 of 4 stars). 2 submissions from 2 submitters: Pathogenic (2). Last evaluated 2024-01-25.

Conditions:
Familial cancer of breast. Also called: BREAST CANCER, FAMILIAL; hereditary breast carcinoma; Hereditary breast cancer. Identifiers: Orphanet 227535, MedGen C0346153, MONDO:0016419, OMIM 114480. Disease mechanism: loss of function.
Ataxia-telangiectasia syndrome (AT). Also called: Cerebello-oculocutaneous telangiectasia; Immunodeficiency with ataxia telangiectasia; ATAXIA-TELANGIECTASIA, FRESNO VARIANT; Ataxia-telangiectasia, complementation group D; Ataxia telangiectasia (A-T); LOUIS-BAR SYNDROME. Identifiers: Orphanet 100, MedGen C0004135, MONDO:0008840, OMIM 208900.

Submissions (2):

Myriad Genetics, Inc.
Classification: Pathogenic for Familial cancer of breast. Last evaluated: 2024-01-25. Review status: criteria provided, single submitter. Criteria: Myriad Autosomal Dominant, Autosomal Recessive and X-Linked Classification Criteria (2023). Collection method: clinical testing. Allele origin: unknown.
Comment: This variant is considered pathogenic. This variant creates a frameshift predicted to result in premature protein truncation.

Labcorp Genetics (formerly Invitae), Labcorp
Classification: Pathogenic for Ataxia-telangiectasia syndrome. Last evaluated: 2022-08-24. Review status: criteria provided, single submitter. Criteria: Invitae Variant Classification Sherloc (09022015). Collection method: clinical testing. Allele origin: germline.
Comment: This variant has not been reported in the literature in individuals affected with ATM-related conditions. For these reasons, this variant has been classified as Pathogenic. ClinVar contains an entry for this variant (Variation ID: 1072669). This variant is not present in population databases (gnomAD no frequency). This sequence change creates a premature translational stop signal (p.Pro1886Leufs*31) in the ATM gene. It is expected to result in an absent or disrupted protein product. Loss-of-function variants in ATM are known to be pathogenic (PMID: 23807571, 25614872).

Literature cited by the submitters: PubMed 23807571 (cited by Labcorp Genetics (formerly Invitae), Labcorp); PubMed 25614872 (cited by Labcorp Genetics (formerly Invitae), Labcorp).